The following is an entry in ClinVar:

NM_182961.4(SYNE1):c.334A>T (p.Thr112Ser)

Gene: SYNE1 (spectrin repeat containing nuclear envelope protein 1; minus strand). Cytogenetic location: 6q25.2.
Variant type: single nucleotide variant.
Coding change: c.334A>T on transcript NM_182961.4 (MANE Select); coding-DNA position 334, A replaced by T.
Protein change: p.Thr112Ser; replaces threonine 112 with serine.
Molecular consequence: missense variant.
Genome position (GRCh38, 1-based): chr6:152,511,079, T>A on the plus strand (A>T on the coding strand, the complement: SYNE1 is on the minus strand). VCF-style: chr6-152511079-T-A. GRCh37 (hg19) VCF-style: chr6-152832214-T-A.
Other names: c.355A>T, p.Thr119Ser (NM_033071.5); c.355A>T (NM_033071.3); short protein forms T112S, T119S.
Identifiers: ClinVar variation 497110 (VCV000497110.9), dbSNP rs750010888, ClinGen allele CA4059766.
Genomic context (GRCh38, chr6:152,511,079, plus strand): 5'-ATAGAATAATGGTCCACATCAATCCAAGAACTATTGAGGGTCGGCCATCAGCTATATCGG[T>A]GGAGTTAATGTTGACTAATTTAATCTGTTTAAAAAAGAGAAACTGTACTAGTAATGTACT-3'
Protein context (NP_892006.3, residues 102-122): RKIKLVNINS[Thr112Ser]DIADGRPSIV

ClinVar aggregate classification (germline): Uncertain significance. Review status: criteria provided, multiple submitters, no conflicts (2 of 4 stars). 3 submissions from 3 submitters: Uncertain significance (3). Last evaluated 2024-01-03.

Conditions:
Emery-Dreifuss muscular dystrophy 4, autosomal dominant (EDMD4). Also called: EMERY-DREIFUSS MUSCULAR DYSTROPHY 4 WITH VARIABLE FEATURES. Identifiers: Orphanet 261, MedGen C2751807, MONDO:0013071, OMIM 612998.
Autosomal recessive ataxia, Beauce type. Also called: SYNE1-Related Autosomal Recessive Cerebellar Ataxia; Spinocerebellar ataxia, autosomal recessive 8; ATAXIA, RECESSIVE, OF BEAUCE; SYNE1 Deficiency. Identifiers: Orphanet 88644, MedGen C1853116, MONDO:0012549, OMIM 610743.

Allele frequency attached by ClinVar (database versions not stated): TOPMed below 0.00001; ExAC 0.00002; gnomAD exomes 0.00003 and 0.00006.
gnomAD v4.1: 15 of 1,613,996 alleles (0.00093%); highest among the groups gnomAD compares: Admixed American, 0.025%; no homozygotes.

Submissions (3):

Labcorp Genetics (formerly Invitae), Labcorp
Classification: Uncertain significance for Emery-Dreifuss muscular dystrophy 4, autosomal dominant; Autosomal recessive ataxia, Beauce type. Last evaluated: 2024-01-03. Review status: criteria provided, single submitter. Criteria: Invitae Variant Classification Sherloc (09022015). Collection method: clinical testing. Allele origin: germline.
Comment: This sequence change replaces threonine, which is neutral and polar, with serine, which is neutral and polar, at codon 119 of the SYNE1 protein (p.Thr119Ser). This variant is present in population databases (rs750010888, gnomAD 0.04%). This variant has not been reported in the literature in individuals affected with SYNE1-related conditions. ClinVar contains an entry for this variant (Variation ID: 497110). An algorithm developed to predict the effect of missense changes on protein structure and function (PolyPhen-2) suggests that this variant is likely to be disruptive. In summary, the available evidence is currently insufficient to determine the role of this variant in disease. Therefore, it has been classified as a Variant of Uncertain Significance.

Baylor Genetics
Classification: Uncertain significance for Autosomal recessive ataxia, Beauce type. Last evaluated: 2023-06-23. Review status: criteria provided, single submitter. Criteria: ACMG Guidelines, 2015. Collection method: clinical testing. Allele origin: unknown.

Eurofins Ntd Llc (ga)
Classification: Uncertain significance. Last evaluated: 2016-10-05. Review status: criteria provided, single submitter. Criteria: EGL Classification Definitions 2015. Collection method: clinical testing. Allele origin: germline. Observed: 1 variant allele, 1 heterozygote.